The following is an entry in ClinVar:

ClinVar aggregate classification (germline): Conflicting classifications of pathogenicity. Review status: criteria provided, conflicting classifications (1 of 4 stars). 3 submissions from 3 submitters: Uncertain significance (1); Likely benign (1). 1 of the submissions does not count toward it. Last evaluated 2025-01-11.

Conditions:
Charcot-Marie-Tooth disease, type I (CMT1). Also called: Charcot-Marie-Tooth disease type 1; Charcot-Marie-Tooth, Type 1. Identifiers: Orphanet 65753, MedGen C0751036, MONDO:0019011.
EGR2-related disorder. Also called: EGR2-related condition.
Inborn genetic diseases. Identifiers: MedGen C0950123, MeSH D030342.

Submissions (3):

Labcorp Genetics (formerly Invitae), Labcorp
Classification: Uncertain significance for Charcot-Marie-Tooth disease, type I. Last evaluated: 2025-01-11. Review status: criteria provided, single submitter. Criteria: Invitae Variant Classification Sherloc (09022015). Collection method: clinical testing. Allele origin: germline.
Comment: This variant, c.925_927del, results in the deletion of 1 amino acid(s) of the EGR2 protein (p.Ala309del), but otherwise preserves the integrity of the reading frame. The frequency data for this variant in the population databases is considered unreliable, as metrics indicate poor data quality at this position in the gnomAD database. This variant has not been reported in the literature in individuals affected with EGR2-related conditions. ClinVar contains an entry for this variant (Variation ID: 857535). Experimental studies and prediction algorithms are not available or were not evaluated, and the functional significance of this variant is currently unknown. In summary, the available evidence is currently insufficient to determine the role of this variant in disease. Therefore, it has been classified as a Variant of Uncertain Significance.

Ambry Genetics
Classification: Likely benign for Inborn genetic diseases. Last evaluated: 2019-11-12. Review status: criteria provided, single submitter. Criteria: Ambry Variant Classification Scheme 2023. Collection method: clinical testing. Allele origin: germline.

PreventionGenetics, part of Exact Sciences
Classification: Uncertain significance for EGR2-related condition. Last evaluated: 2024-08-15. Review status: no assertion criteria provided. Collection method: clinical testing. Allele origin: germline. Not counted in ClinVar's aggregate classification.
Comment: The EGR2 c.925_927delGCC variant is predicted to result in an in-frame deletion (p.Ala309del). To our knowledge, this variant has not been reported in the literature. This variant is reported in 0.080% of alleles in individuals of European (Finnish) descent in gnomAD. Although we suspect that this variant may be benign, at this time, the clinical significance of this variant is uncertain due to the absence of conclusive functional and genetic evidence.

NM_000399.5(EGR2):c.910GCC[5] (p.Ala309del)

Gene: EGR2 (early growth response 2; minus strand). Cytogenetic location: 10q21.3.
Variant type: Microsatellite.
Coding change: c.910GCC[5] on transcript NM_000399.5 (MANE Select); five copies in a row of the 3-base unit GCC starting at c.910; the reference has six copies in a row; one copy, 3 bases deleted.
Protein change: p.Ala309del; deletes alanine 309.
Molecular consequence: inframe deletion.
Genome position (GRCh38, 1-based): chr10:62,813,711-62,813,713, GGC deleted on the plus strand (GCC on the coding strand, the reverse complement: EGR2 is on the minus strand); deleting any 3 consecutive bases within chr10:62,813,711-62,813,728 gives the same sequence; the position shown is the placement nearest the transcript's 3' end. VCF-style (leftmost placement, unchanged base first): chr10-62813710-AGGC-A. GRCh37 (hg19) VCF-style: chr10-64573470-AGGC-A.
Other names: c.910GCC[5], p.Ala309del (NM_001136177.3, NM_001136178.2); c.760GCC[5], p.Ala259del (NM_001136179.3, NM_001321037.2); c.925_927delGCC (NM_000399.3, NM_000399.4); short protein forms A259del, A309del.
Identifiers: ClinVar variation 857535 (VCV000857535.11), dbSNP rs753747037, ClinGen allele CA5517195.